The following is an entry in ClinVar:

ClinVar aggregate classification (germline): Conflicting classifications of pathogenicity. Review status: criteria provided, conflicting classifications (1 of 4 stars). 2 submissions from 2 submitters: Uncertain significance (1); Likely benign (1). Last evaluated 2025-05-28.

Allele frequency attached by ClinVar (database versions not stated): ESP Exome Variant Server 0.00044; TOPMed 0.00118; 1000 Genomes Project 30x 0.00141; 1000 Genomes Project 0.00160.

Submissions (2):

Ambry Genetics
Classification: Uncertain significance. Last evaluated: 2025-05-28. Review status: criteria provided, single submitter. Criteria: Ambry Variant Classification Scheme 2023. Collection method: clinical testing. Allele origin: germline.

CeGaT Center for Human Genetics Tuebingen
Classification: Likely benign. Last evaluated: 2023-11-01. Review status: criteria provided, single submitter. Criteria: CeGaT Center For Human Genetics Tuebingen Variant Classification Criteria Version 2. Collection method: clinical testing. Allele origin: germline. Affected: yes. Observed: 1 variant allele.
Comment: ATAD3C: PP3, BS2

NM_001039211.3(ATAD3C):c.460C>T (p.Arg154Cys)

Gene: ATAD3C (ATPase family AAA domain containing 3C; plus strand). Cytogenetic location: 1p36.33.
Variant type: single nucleotide variant.
Coding change: c.460C>T on transcript NM_001039211.3 (MANE Select); coding-DNA position 460, C replaced by T.
Protein change: p.Arg154Cys; replaces arginine 154 with cysteine.
Molecular consequence: missense variant.
Genome position (GRCh38, 1-based): chr1:1,455,812, C>T. VCF-style: chr1-1455812-C-T. GRCh37 (hg19) VCF-style: chr1-1391192-C-T.
Other names: short protein forms R154C.
Identifiers: ClinVar variation 2405539 (VCV002405539.25), dbSNP rs190004171, ClinGen allele CA523634.